The following is an entry in ClinVar:

NM_032043.3(BRIP1):c.554C>T (p.Ala185Val)

Gene: BRIP1 (BRCA1 interacting DNA helicase 1; minus strand). Cytogenetic location: 17q23.2.
Variant type: single nucleotide variant.
Coding change: c.554C>T on transcript NM_032043.3 (MANE Select); coding-DNA position 554, C replaced by T.
Protein change: p.Ala185Val; replaces alanine 185 with valine.
Molecular consequence: missense variant.
Genome position (GRCh38, 1-based): chr17:61,847,174, G>A on the plus strand (C>T on the coding strand, the complement: BRIP1 is on the minus strand). VCF-style: chr17-61847174-G-A. GRCh37 (hg19) VCF-style: chr17-59924535-G-A.
Other names: short protein forms A185V.
Identifiers: ClinVar variation 2681849 (VCV002681849.2), dbSNP rs2545406704, ClinGen allele CA400483144.

ClinVar aggregate classification (germline): Conflicting classifications of pathogenicity. Review status: criteria provided, conflicting classifications (1 of 4 stars). 2 submissions from 2 submitters: Uncertain significance (1); Likely benign (1). Last evaluated 2026-02-09.

Conditions:
Hereditary cancer-predisposing syndrome. Also called: Tumor predisposition; Hereditary Cancer Syndrome; Hereditary neoplastic syndrome; Neoplastic Syndromes, Hereditary. Identifiers: Orphanet 140162, MedGen C0027672, MeSH D009386, MONDO:0015356.

Submissions (2):

Ambry Genetics
Classification: Likely benign for Hereditary cancer-predisposing syndrome. Last evaluated: 2026-02-09. Review status: criteria provided, single submitter. Criteria: Ambry Variant Classification Scheme 2023. Collection method: clinical testing. Allele origin: germline.

Quest Diagnostics Nichols Institute San Juan Capistrano
Classification: Uncertain significance. Last evaluated: 2023-05-18. Review status: criteria provided, single submitter. Criteria: Quest Diagnostics criteria. Collection method: clinical testing. Allele origin: unknown.
Comment: To the best of our knowledge, this variant has not been reported in the published literature. It also has not been reported in large, multi-ethnic general populations (Genome Aggregation Database). Analysis of this variant using bioinformatics tools for the prediction of the effect of amino acid changes on protein structure and function yielded predictions that this variant is benign. Based on the available information, we are unable to determine the clinical significance of this variant.